The following is an entry in ClinVar:

ClinVar aggregate classification (germline): Likely benign. Review status: criteria provided, multiple submitters, no conflicts (2 of 4 stars). 2 submissions from 2 submitters: Likely benign (2). Last evaluated 2026-08-01.

Allele frequency attached by ClinVar (database versions not stated): 1000 Genomes Project 0.00040; 1000 Genomes Project 30x 0.00062; ESP Exome Variant Server 0.00077; TOPMed 0.00077; gnomAD exomes 0.00101 and 0.00119; ExAC 0.00103; gnomAD 0.00147.
gnomAD v4.1: 1,866 of 1,614,086 alleles (0.12%); highest among the groups gnomAD compares: Non-Finnish European, 0.14%; no homozygotes.

Submissions (2):

CeGaT Center for Human Genetics Tuebingen
Classification: Likely benign. Last evaluated: 2026-08-01. Review status: criteria provided, single submitter. Criteria: CeGaT Center For Human Genetics Tuebingen Variant Classification Criteria Version 2. Collection method: clinical testing. Allele origin: germline. Affected: yes. Observed: 12 variant alleles.
Comment: SHANK2: BP4, BP7

Genetic Services Laboratory, University of Chicago
Classification: Likely benign. Last evaluated: 2015-12-17. Review status: criteria provided, single submitter. Criteria: ACMG Guidelines, 2015. Collection method: clinical testing. Allele origin: germline. Affected: no.

NM_012309.5(SHANK2):c.4287T>C (p.Ala1429=)

Gene: SHANK2 (SH3 and multiple ankyrin repeat domains 2; minus strand). Cytogenetic location: 11q13.3.
Variant type: single nucleotide variant.
Coding change: c.4287T>C on transcript NM_012309.5 (MANE Select); coding-DNA position 4287, T replaced by C.
Protein change: p.Ala1429=; no amino-acid change (alanine 1429 retained).
Molecular consequence: synonymous variant.
Genome position (GRCh38, 1-based): chr11:70,486,006, A>G on the plus strand (T>C on the coding strand, the complement: SHANK2 is on the minus strand). VCF-style: chr11-70486006-A-G. GRCh37 (hg19) VCF-style: chr11-70332111-A-G.
Other names: c.3150T>C, p.Ala1050= (NM_001379226.1); c.2523T>C, p.Ala841= (NM_133266.5).
Identifiers: ClinVar variation 436704 (VCV000436704.41), dbSNP rs116984460, ClinGen allele CA6160945.